The following is an entry in ClinVar:

ClinVar aggregate classification (germline): Uncertain significance (1 of 4 stars; one submission).

Submission:

Labcorp Genetics (formerly Invitae), Labcorp
Classification: Uncertain significance. Last evaluated: 2025-05-26. Review status: criteria provided, single submitter. Criteria: Invitae Variant Classification Sherloc (09022015). Collection method: clinical testing. Allele origin: germline.
Comment: This sequence change replaces leucine, which is neutral and non-polar, with phenylalanine, which is neutral and non-polar, at codon 167 of the PSMB4 protein (p.Leu167Phe). Information on the frequency of this variant in the gnomAD database is not available, as this variant may be reported differently in the database. This variant has not been reported in the literature in individuals affected with PSMB4-related conditions. Experimental studies and prediction algorithms are not available or were not evaluated, and the functional significance of this variant is currently unknown. In summary, the available evidence is currently insufficient to determine the role of this variant in disease. Therefore, it has been classified as a Variant of Uncertain Significance.

NM_002796.3(PSMB4):c.498_499delinsTT (p.Leu167Phe)

Gene: PSMB4 (proteasome 20S subunit beta 4; plus strand). Cytogenetic location: 1q21.3.
Variant type: Indel.
Coding change: c.498_499delinsTT on transcript NM_002796.3 (MANE Select); coding-DNA positions 498 to 499, CC replaced by TT.
Protein change: p.Leu167Phe; replaces leucine 167 with phenylalanine.
Molecular consequence: missense variant.
Genome position (GRCh38, 1-based): chr1:151,400,767-151,400,768, CC replaced by TT. VCF-style: chr1-151400767-CC-TT. GRCh37 (hg19) VCF-style: chr1-151373243-CC-TT.
Other names: short protein forms L167F.
Identifiers: ClinVar variation 4719939 (VCV004719939.1).